The following is an entry in ClinVar:

ClinVar aggregate classification (germline): Uncertain significance. Review status: criteria provided, multiple submitters, no conflicts (2 of 4 stars). 2 submissions from 2 submitters: Uncertain significance (2). Last evaluated 2026-01-25.

Conditions:
Inborn genetic diseases. Identifiers: MedGen C0950123, MeSH D030342.

Allele frequency attached by ClinVar (database versions not stated): gnomAD exomes below 0.00001; ExAC 0.00001.
gnomAD v4.1: 5 of 1,614,154 alleles (0.00031%); highest among the groups gnomAD compares: Non-Finnish European, 0.00034%; no homozygotes.

Submissions (2):

Labcorp Genetics (formerly Invitae), Labcorp
Classification: Uncertain significance. Last evaluated: 2026-01-25. Review status: criteria provided, single submitter. Criteria: Invitae Variant Classification Sherloc (09022015). Collection method: clinical testing. Allele origin: germline.
Comment: This sequence change replaces asparagine, which is neutral and polar, with serine, which is neutral and polar, at codon 230 of the SAMD9L protein (p.Asn230Ser). This variant is present in population databases (rs761428673, gnomAD 0.0009%). This variant has not been reported in the literature in individuals affected with SAMD9L-related conditions. ClinVar contains an entry for this variant (Variation ID: 2016143). An algorithm developed to predict the effect of missense changes on protein structure and function (PolyPhen-2) suggests that this variant is likely to be disruptive. In summary, the available evidence is currently insufficient to determine the role of this variant in disease. Therefore, it has been classified as a Variant of Uncertain Significance.

Ambry Genetics
Classification: Uncertain significance for Inborn genetic diseases. Last evaluated: 2025-05-16. Review status: criteria provided, single submitter. Criteria: Ambry Variant Classification Scheme 2023. Collection method: clinical testing. Allele origin: germline.
Comment: The p.N230S variant (also known as c.689A>G), located in coding exon 1 of the SAMD9L gene, results from an A to G substitution at nucleotide position 689. The asparagine at codon 230 is replaced by serine, an amino acid with highly similar properties. This amino acid position is conserved. In addition, this alteration is predicted to be tolerated by in silico analysis. Based on the available evidence, the clinical significance of this variant remains unclear.

NM_152703.5(SAMD9L):c.689A>G (p.Asn230Ser)

Gene: SAMD9L (sterile alpha motif domain containing 9 like; minus strand). Cytogenetic location: 7q21.2.
Variant type: single nucleotide variant.
Coding change: c.689A>G on transcript NM_152703.5 (MANE Select); coding-DNA position 689, A replaced by G.
Protein change: p.Asn230Ser; replaces asparagine 230 with serine.
Molecular consequence: missense variant.
Genome position (GRCh38, 1-based): chr7:93,135,283, T>C on the plus strand (A>G on the coding strand, the complement: SAMD9L is on the minus strand). VCF-style: chr7-93135283-T-C. GRCh37 (hg19) VCF-style: chr7-92764596-T-C.
Other names: c.689A>G (NM_152703.2); c.689A>G, p.Asn230Ser (NM_001303496.3, NM_001303497.3, NM_001303498.3 and 5 more transcripts); short protein forms N230S.
Identifiers: ClinVar variation 2016143 (VCV002016143.5), dbSNP rs761428673, ClinGen allele CA4343833.